The following is an entry in ClinVar:

NM_001845.6(COL4A1):c.2696_2697insCGGCCTCACCAGGACCAGTGGGTGCTCC (p.Pro902fs)

Gene: COL4A1 (collagen type IV alpha 1 chain; minus strand). Cytogenetic location: 13q34.
Variant type: Insertion.
Coding change: c.2696_2697insCGGCCTCACCAGGACCAGTGGGTGCTCC on transcript NM_001845.6 (MANE Select); coding-DNA positions 2696 to 2697, CGGCCTCACCAGGACCAGTGGGTGCTCC inserted.
Protein change: p.Pro902fs; shifts the reading frame from proline 902.
Molecular consequence: frameshift variant.
Genome position: GRCh38 VCF-style: chr13-110177861-A-AGGAGCACCCACTGGTCCTGGTGAGGCCG. GRCh37 (hg19) VCF-style: chr13-110830208-A-AGGAGCACCCACTGGTCCTGGTGAGGCCG.
Other names: short protein forms P902fs.
Identifiers: ClinVar variation 2724071 (VCV002724071.3), dbSNP rs2501779456, ClinGen allele CA2697551936.
Genomic context (GRCh38, chr13:110,177,861, plus strand): 5'-ATAGACACAAAATGAGCTTCTAGGGTTATCAGCTCCCCTACCTTTTTCACCCGGTAATCC[A>AGGAGCACCCACTGGTCCTGGTGAGGCCG]GGAGCACCCACTGGTCCTGGTGAGCCCGGCTGCCCGGGGGTCCCCATGACGCCCATTTCT-3'

ClinVar aggregate classification (germline): Pathogenic (1 of 4 stars; one submission).

Submission:

Labcorp Genetics (formerly Invitae), Labcorp
Classification: Pathogenic. Last evaluated: 2024-10-17. Review status: criteria provided, single submitter. Criteria: Invitae Variant Classification Sherloc (09022015). Collection method: clinical testing. Allele origin: germline.
Comment: This sequence change creates a premature translational stop signal (p.Pro902Thrfs*12) in the COL4A1 gene. It is expected to result in an absent or disrupted protein product. Loss-of-function variants in COL4A1 are known to be pathogenic (PMID: 23225343). This variant is not present in population databases (gnomAD no frequency). This variant has not been reported in the literature in individuals affected with COL4A1-related conditions. For these reasons, this variant has been classified as Pathogenic.

Literature cited by the submitters: PubMed 23225343.